The following is an entry in ClinVar:

NM_004646.4(NPHS1):c.1914T>A (p.Tyr638Ter)

Gene: NPHS1 (NPHS1 adhesion molecule, nephrin; minus strand). Cytogenetic location: 19q13.12.
Variant type: single nucleotide variant.
Coding change: c.1914T>A on transcript NM_004646.4 (MANE Select); coding-DNA position 1914, T replaced by A.
Protein change: p.Tyr638Ter; replaces tyrosine 638 with a stop codon.
Molecular consequence: nonsense.
Genome position (GRCh38, 1-based): chr19:35,845,384, A>T on the plus strand (T>A on the coding strand, the complement: NPHS1 is on the minus strand). VCF-style: chr19-35845384-A-T. GRCh37 (hg19) VCF-style: chr19-36336286-A-T.
Other names: short protein forms Y638*.
Identifiers: ClinVar variation 2033281 (VCV002033281.4), dbSNP rs2513773107, ClinGen allele CA405398294.

ClinVar aggregate classification (germline): Pathogenic (1 of 4 stars; one submission).

Submission:

Labcorp Genetics (formerly Invitae), Labcorp
Classification: Pathogenic. Last evaluated: 2022-09-29. Review status: criteria provided, single submitter. Criteria: Invitae Variant Classification Sherloc (09022015). Collection method: clinical testing. Allele origin: germline.
Comment: For these reasons, this variant has been classified as Pathogenic. This variant has not been reported in the literature in individuals affected with NPHS1-related conditions. This variant is not present in population databases (gnomAD no frequency). This sequence change creates a premature translational stop signal (p.Tyr638*) in the NPHS1 gene. It is expected to result in an absent or disrupted protein product. Loss-of-function variants in NPHS1 are known to be pathogenic (PMID: 11317351, 11854170, 12039988).

Literature cited by the submitters: PubMed 11317351; PubMed 11854170; PubMed 12039988.